The following is an entry in ClinVar:

ClinVar aggregate classification (germline): Uncertain significance. Review status: criteria provided, multiple submitters, no conflicts (2 of 4 stars). 3 submissions from 3 submitters: Uncertain significance (3). Last evaluated 2023-02-23.

Conditions:
BARD1-related disorder. Also called: BARD1-related condition.
Hereditary cancer-predisposing syndrome. Also called: Hereditary neoplastic syndrome; Neoplastic Syndromes, Hereditary; Hereditary Cancer Syndrome; Tumor predisposition. Identifiers: Orphanet 140162, MedGen C0027672, MeSH D009386, MONDO:0015356.
Familial cancer of breast. Also called: Hereditary breast cancer; BREAST CANCER, FAMILIAL; hereditary breast carcinoma. Identifiers: Orphanet 227535, MedGen C0346153, MONDO:0016419, OMIM 114480. Disease mechanism: loss of function.

Submissions (3):

PreventionGenetics, part of Exact Sciences
Classification: Uncertain significance for BARD1-related condition. Last evaluated: 2023-02-23. Review status: criteria provided, single submitter. Criteria: ACMG Guidelines, 2015. Collection method: clinical testing. Allele origin: germline.
Comment: The BARD1 c.1225T>C variant is predicted to result in the amino acid substitution p.Ser409Pro. To our knowledge, this variant has not been reported in the literature or in a large population database, indicating this variant is rare. It is interpreted as uncertain significance in ClinVar. At this time, the clinical significance of this variant is uncertain due to the absence of conclusive functional and genetic evidence.

Ambry Genetics
Classification: Uncertain significance for Hereditary cancer-predisposing syndrome. Last evaluated: 2023-02-05. Review status: criteria provided, single submitter. Criteria: Ambry Variant Classification Scheme 2023. Collection method: clinical testing. Allele origin: germline.
Comment: The p.S409P variant (also known as c.1225T>C), located in coding exon 4 of the BARD1 gene, results from a T to C substitution at nucleotide position 1225. The serine at codon 409 is replaced by proline, an amino acid with similar properties. This amino acid position is not well conserved in available vertebrate species. In addition, this alteration is predicted to be tolerated by in silico analysis. Since supporting evidence is limited at this time, the clinical significance of this alteration remains unclear.

Labcorp Genetics (formerly Invitae), Labcorp
Classification: Uncertain significance for Familial cancer of breast. Last evaluated: 2022-07-09. Review status: criteria provided, single submitter. Criteria: Invitae Variant Classification Sherloc (09022015). Collection method: clinical testing. Allele origin: germline.
Comment: ClinVar contains an entry for this variant (Variation ID: 1485151). In summary, the available evidence is currently insufficient to determine the role of this variant in disease. Therefore, it has been classified as a Variant of Uncertain Significance. Algorithms developed to predict the effect of missense changes on protein structure and function (SIFT, PolyPhen-2, Align-GVGD) all suggest that this variant is likely to be tolerated. This variant has not been reported in the literature in individuals affected with BARD1-related conditions. This variant is not present in population databases (gnomAD no frequency). This sequence change replaces serine, which is neutral and polar, with proline, which is neutral and non-polar, at codon 409 of the BARD1 protein (p.Ser409Pro).

NM_000465.4(BARD1):c.1225T>C (p.Ser409Pro)

Gene: BARD1 (BRCA1 associated RING domain 1; minus strand). Cytogenetic location: 2q35.
Variant type: single nucleotide variant.
Coding change: c.1225T>C on transcript NM_000465.4 (MANE Select); coding-DNA position 1225, T replaced by C.
Protein change: p.Ser409Pro; replaces serine 409 with proline.
Molecular consequence: missense variant. On other transcripts: non-coding transcript variant (2), intron variant (3).
Genome position (GRCh38, 1-based): chr2:214,780,649, A>G on the plus strand (T>C on the coding strand, the complement: BARD1 is on the minus strand). VCF-style: chr2-214780649-A-G. GRCh37 (hg19) VCF-style: chr2-215645373-A-G.
Other names: c.1168T>C, p.Ser390Pro (NM_001282543.2); c.159-28094T>C (NM_001282548.2); c.215+16412T>C (NM_001282545.2); c.364+11648T>C (NM_001282549.2); c.1225T>C (NM_000465.3); short protein forms S390P, S409P.
Identifiers: ClinVar variation 1485151 (VCV001485151.13), dbSNP rs2106108006, ClinGen allele CA350453653.